The following is an entry in ClinVar:

NM_020778.5(ALPK3):c.2593C>T (p.Pro865Ser)

Gene: ALPK3 (alpha kinase 3; plus strand). Cytogenetic location: 15q25.3.
Variant type: single nucleotide variant.
Coding change: c.2593C>T on transcript NM_020778.5 (MANE Select); coding-DNA position 2593, C replaced by T.
Protein change: p.Pro865Ser; replaces proline 865 with serine.
Molecular consequence: missense variant.
Genome position (GRCh38, 1-based): chr15:84,857,331, C>T. VCF-style: chr15-84857331-C-T. GRCh37 (hg19) VCF-style: chr15-85400562-C-T.
Other names: c.3199C>T (NM_020778.4); short protein forms P865S.
Identifiers: ClinVar variation 2055885 (VCV002055885.5), dbSNP rs1005850234, ClinGen allele CA273624485.
Genomic context (GRCh38, chr15:84,857,331, plus strand): 5'-GGGGGAGTGCCGTGTATGGATCAGGGTGGCTGTCCTCTAGCTGGCCTGAGCCAGGAGGTA[C>T]CCACGATGCCTTCTCTTCCTGGAACTGGGCTGACAGCTAGCCCAAAGGCGGGGCCGTGTA-3'
Protein context (NP_065829.4, residues 855-875): CPLAGLSQEV[Pro865Ser]TMPSLPGTGL

ClinVar aggregate classification (germline): Uncertain significance. Review status: criteria provided, multiple submitters, no conflicts (2 of 4 stars). 2 submissions from 2 submitters: Uncertain significance (2). Last evaluated 2025-09-28.

Conditions:
Cardiovascular phenotype. Identifiers: MedGen CN230736.

Submissions (2):

Ambry Genetics
Classification: Uncertain significance for Cardiovascular phenotype. Last evaluated: 2025-09-28. Review status: criteria provided, single submitter. Criteria: Ambry Variant Classification Scheme 2023. Collection method: clinical testing. Allele origin: germline.

Labcorp Genetics (formerly Invitae), Labcorp
Classification: Uncertain significance. Last evaluated: 2023-05-05. Review status: criteria provided, single submitter. Criteria: Invitae Variant Classification Sherloc (09022015). Collection method: clinical testing. Allele origin: germline.
Comment: In summary, the available evidence is currently insufficient to determine the role of this variant in disease. Therefore, it has been classified as a Variant of Uncertain Significance. Algorithms developed to predict the effect of missense changes on protein structure and function output the following: SIFT: "Not Available"; PolyPhen-2: "Benign"; Align-GVGD: "Not Available". The serine amino acid residue is found in multiple mammalian species, which suggests that this missense change does not adversely affect protein function. ClinVar contains an entry for this variant (Variation ID: 2055885). This variant has not been reported in the literature in individuals affected with ALPK3-related conditions. This variant is not present in population databases (gnomAD no frequency). This sequence change replaces proline, which is neutral and non-polar, with serine, which is neutral and polar, at codon 1067 of the ALPK3 protein (p.Pro1067Ser).